The following is an entry in ClinVar:

NM_000093.5(COL5A1):c.2385+3G>A

Gene: COL5A1 (collagen type V alpha 1 chain; plus strand). Cytogenetic location: 9q34.3.
Variant type: single nucleotide variant.
Coding change: c.2385+3G>A on transcript NM_000093.5 (MANE Select); 3 bases into the intron after coding-DNA position 2385, G replaced by A.
Molecular consequence: intron variant.
Genome position (GRCh38, 1-based): chr9:134,774,915, G>A. VCF-style: chr9-134774915-G-A. GRCh37 (hg19) VCF-style: chr9-137666761-G-A.
Other names: c.2385+3G>A (NM_001278074.1).
Identifiers: ClinVar variation 2073633 (VCV002073633.4), dbSNP rs777465084, ClinGen allele CA5319298.

ClinVar aggregate classification (germline): Uncertain significance (1 of 4 stars; one submission).

Conditions:
Ehlers-Danlos syndrome, classic type, 1 (EDSCL1). Also called: EHLERS-DANLOS SYNDROME, GRAVIS TYPE; EHLERS-DANLOS SYNDROME, SEVERE CLASSIC TYPE; Ehlers-Danlos syndrome, type 1; EDS I; Ehlers-Danlos Syndrome, Classic Type, COL5A1-Related. Identifiers: MedGen C0268335, MONDO:0019567, OMIM 130000.

Allele frequency attached by ClinVar (database versions not stated): TOPMed 0.00001; gnomAD exomes below 0.00001; ExAC 0.00003.
gnomAD v4.1: 4 of 1,613,296 alleles (0.00025%); highest among the groups gnomAD compares: Admixed American, 0.0033%; no homozygotes.

Submission:

Labcorp Genetics (formerly Invitae), Labcorp
Classification: Uncertain significance for Ehlers-Danlos syndrome, classic type, 1. Last evaluated: 2024-04-06. Review status: criteria provided, single submitter. Criteria: Invitae Variant Classification Sherloc (09022015). Collection method: clinical testing. Allele origin: germline.
Comment: This sequence change falls in intron 27 of the COL5A1 gene. It does not directly change the encoded amino acid sequence of the COL5A1 protein. It affects a nucleotide within the consensus splice site. This variant is present in population databases (rs777465084, gnomAD 0.006%). This variant has not been reported in the literature in individuals affected with COL5A1-related conditions. ClinVar contains an entry for this variant (Variation ID: 2073633). Variants that disrupt the consensus splice site are a relatively common cause of aberrant splicing (PMID: 17576681, 9536098). Algorithms developed to predict the effect of sequence changes on RNA splicing suggest that this variant is not likely to affect RNA splicing. In summary, the available evidence is currently insufficient to determine the role of this variant in disease. Therefore, it has been classified as a Variant of Uncertain Significance.

Literature cited by the submitters: PubMed 17576681; PubMed 9536098.